The following is an entry in ClinVar:

NM_007144.3(PCGF2):c.275A>C (p.Lys92Thr)

Gene: PCGF2 (polycomb group ring finger 2; minus strand). Cytogenetic location: 17q12.
Variant type: single nucleotide variant.
Coding change: c.275A>C on transcript NM_007144.3 (MANE Select); coding-DNA position 275, A replaced by C.
Protein change: p.Lys92Thr; replaces lysine 92 with threonine.
Molecular consequence: missense variant.
Genome position (GRCh38, 1-based): chr17:38,739,109, T>G on the plus strand (A>C on the coding strand, the complement: PCGF2 is on the minus strand). VCF-style: chr17-38739109-T-G. GRCh37 (hg19) VCF-style: chr17-36895362-T-G.
Other names: c.275A>C, p.Lys92Thr (NM_001369614.1, NM_001369615.1); short protein forms K92T.
Identifiers: ClinVar variation 1970682 (VCV001970682.5), dbSNP rs1906997412, ClinGen allele CA398822215.

ClinVar aggregate classification (germline): Uncertain significance (1 of 4 stars; one submission).

Allele frequency attached by ClinVar (database versions not stated): TOPMed below 0.00001; gnomAD exomes below 0.00001.

Submission:

Labcorp Genetics (formerly Invitae), Labcorp
Classification: Uncertain significance. Last evaluated: 2025-04-02. Review status: criteria provided, single submitter. Criteria: Invitae Variant Classification Sherloc (09022015). Collection method: clinical testing. Allele origin: germline.
Comment: This sequence change replaces lysine, which is basic and polar, with threonine, which is neutral and polar, at codon 92 of the PCGF2 protein (p.Lys92Thr). This variant is not present in population databases (gnomAD no frequency). This variant has not been reported in the literature in individuals affected with PCGF2-related conditions. ClinVar contains an entry for this variant (Variation ID: 1970682). Invitae Evidence Modeling of protein sequence and biophysical properties (such as structural, functional, and spatial information, amino acid conservation, physicochemical variation, residue mobility, and thermodynamic stability) indicates that this missense variant is expected to disrupt PCGF2 protein function with a positive predictive value of 80%. In summary, the available evidence is currently insufficient to determine the role of this variant in disease. Therefore, it has been classified as a Variant of Uncertain Significance.